The following is an entry in ClinVar:

NM_000179.3(MSH6):c.541G>A (p.Glu181Lys)

Gene: MSH6 (mutS homolog 6; plus strand). Cytogenetic location: 2p16.3.
Variant type: single nucleotide variant.
Coding change: c.541G>A on transcript NM_000179.3 (MANE Select); coding-DNA position 541, G replaced by A.
Protein change: p.Glu181Lys; replaces glutamic acid 181 with lysine.
Molecular consequence: missense variant. On other transcripts: 5 prime UTR variant (1), intron variant (2).
Genome position (GRCh38, 1-based): chr2:47,795,977, G>A. VCF-style: chr2-47795977-G-A. GRCh37 (hg19) VCF-style: chr2-48023116-G-A.
Other names: c.-362G>A (NM_001281494.2); c.-279-2634G>A (NM_001281493.2); c.238-2634G>A (NM_001281492.2); short protein forms E181K.
Identifiers: ClinVar variation 825720 (VCV000825720.7), dbSNP rs569728764, ClinGen allele CA073121.

ClinVar aggregate classification (germline): Conflicting classifications of pathogenicity. Review status: criteria provided, conflicting classifications (1 of 4 stars). 4 submissions from 4 submitters: Uncertain significance (3); Benign (1). Last evaluated 2025-11-03.

Conditions:
Hereditary nonpolyposis colorectal neoplasms. Identifiers: MedGen C0009405, MeSH D003123.
Lynch syndrome. Identifiers: Orphanet 144, MedGen C4552100, MONDO:0005835. Disease mechanism: loss of function.
Hereditary cancer-predisposing syndrome. Also called: Neoplastic Syndromes, Hereditary; Tumor predisposition; Hereditary neoplastic syndrome; Hereditary Cancer Syndrome. Identifiers: Orphanet 140162, MedGen C0027672, MeSH D009386, MONDO:0015356.

Allele frequency attached by ClinVar (database versions not stated): gnomAD 0.00001; ExAC 0.00002; gnomAD exomes 0.00002; 1000 Genomes Project 30x 0.00016; 1000 Genomes Project 0.00020.
gnomAD v4.1: 11 of 1,614,160 alleles (0.00068%); highest among the groups gnomAD compares: South Asian, 0.012%; no homozygotes.

Submissions (4):

Labcorp Genetics (formerly Invitae), Labcorp
Classification: Benign for Hereditary nonpolyposis colorectal neoplasms. Last evaluated: 2025-11-03. Review status: criteria provided, single submitter. Criteria: Invitae Variant Classification Sherloc (09022015). Collection method: clinical testing. Allele origin: germline.

GeneDx
Classification: Uncertain significance. Last evaluated: 2024-11-22. Review status: criteria provided, single submitter. Criteria: GeneDx Variant Classification Process June 2021. Collection method: clinical testing. Allele origin: germline. Affected: yes.
Comment: Not observed at significant frequency in large population cohorts (gnomAD); In silico analysis indicates that this missense variant does not alter protein structure/function; Has not been previously published as pathogenic or benign to our knowledge

All of Us Research Program, National Institutes of Health
Classification: Uncertain significance for Lynch syndrome. Last evaluated: 2023-12-18. Review status: criteria provided, single submitter. Criteria: ACMG Guidelines, 2015. Collection method: clinical testing. Allele origin: germline. Inheritance: Autosomal dominant inheritance. Observed: 2 variant alleles, 2 heterozygotes.
Comment: This missense variant replaces glutamic acid with lysine at codon 181 of the MSH6 protein. Computational prediction suggests that this variant may not impact protein structure and function (internally defined REVEL score threshold <= 0.5, PMID: 27666373). To our knowledge, functional studies have not been reported for this variant. This variant has not been reported in individuals affected with MSH6-related disorders in the literature. This variant has been identified in 5/251444 chromosomes in the general population by the Genome Aggregation Database (gnomAD). The available evidence is insufficient to determine the role of this variant in disease conclusively. Therefore, this variant is classified as a Variant of Uncertain Significance.

This study involves interpretation of variants in research participants for the purpose of population health screening. Participant phenotype was not available at the time of variant classification. Additional details can be found in publication PMID: 35346344, PMCID: PMC8962531

Ambry Genetics
Classification: Uncertain significance for Hereditary cancer-predisposing syndrome. Last evaluated: 2021-02-16. Review status: criteria provided, single submitter. Criteria: Ambry Variant Classification Scheme 2023. Collection method: clinical testing. Allele origin: germline.
Comment: The p.E181K variant (also known as c.541G>A), located in coding exon 3 of the MSH6 gene, results from a G to A substitution at nucleotide position 541. The glutamic acid at codon 181 is replaced by lysine, an amino acid with similar properties. This amino acid position is highly conserved through mammals but not in all available vertebrate species. In addition, this alteration is predicted to be tolerated by in silico analysis. Since supporting evidence is limited at this time, the clinical significance of this alteration remains unclear.